The following is an entry in ClinVar:

NM_001384910.1(GUCA1A):c.79A>G (p.Thr27Ala)

Genes: GUCA1A (guanylate cyclase activator 1A; plus strand), GUCA1ANB-GUCA1A (GUCA1ANB-GUCA1A readthrough; plus strand). Cytogenetic location: 6p21.1.
Variant type: single nucleotide variant.
Coding change: c.79A>G on transcript NM_001384910.1 (MANE Select); coding-DNA position 79, A replaced by G.
Protein change: p.Thr27Ala; replaces threonine 27 with alanine.
Molecular consequence: missense variant.
Genome position (GRCh38, 1-based): chr6:42,173,692, A>G. VCF-style: chr6-42173692-A-G. GRCh37 (hg19) VCF-style: chr6-42141430-A-G.
Other names: c.79A>G, p.Thr27Ala (NM_000409.5, NM_001319061.2, NM_001319062.2); c.79A>G (NM_000409.4); short protein forms T27A.
Identifiers: ClinVar variation 3657207 (VCV003657207.2).
Genomic context (GRCh38, chr6:42,173,692, plus strand): 5'-GGAAAGTCAGTGGAGGAGCTGAGCAGCACCGAGTGCCACCAGTGGTACAAGAAGTTCATG[A>G]CTGAGTGCCCCTCTGGCCAACTCACCCTCTATGAGTTCCGCCAGTTCTTCGGCCTCAAGA-3'
Protein context (NP_001371839.1, residues 17-37): ECHQWYKKFM[Thr27Ala]ECPSGQLTLY

ClinVar aggregate classification (germline): Uncertain significance (1 of 4 stars; one submission).

Submission:

Labcorp Genetics (formerly Invitae), Labcorp
Classification: Uncertain significance. Last evaluated: 2024-06-20. Review status: criteria provided, single submitter. Criteria: Invitae Variant Classification Sherloc (09022015). Collection method: clinical testing. Allele origin: germline.
Comment: This sequence change replaces threonine, which is neutral and polar, with alanine, which is neutral and non-polar, at codon 27 of the GUCA1A protein (p.Thr27Ala). This variant is not present in population databases (gnomAD no frequency). This variant has not been reported in the literature in individuals affected with GUCA1A-related conditions. An algorithm developed to predict the effect of missense changes on protein structure and function (PolyPhen-2) suggests that this variant is likely to be tolerated. In summary, the available evidence is currently insufficient to determine the role of this variant in disease. Therefore, it has been classified as a Variant of Uncertain Significance.